The following is an entry in ClinVar:

ClinVar aggregate classification (germline): Uncertain significance (1 of 4 stars; one submission).

Conditions:
Mitochondrial trifunctional protein deficiency. Identifiers: Orphanet 746, MedGen C1969443, MONDO:0012172.

Allele frequency attached by ClinVar (database versions not stated): TOPMed 0.00002.

Submission:

Labcorp Genetics (formerly Invitae), Labcorp
Classification: Uncertain significance for Mitochondrial trifunctional protein deficiency. Last evaluated: 2022-06-13. Review status: criteria provided, single submitter. Criteria: Invitae Variant Classification Sherloc (09022015). Collection method: clinical testing. Allele origin: germline.
Comment: This sequence change replaces aspartic acid, which is acidic and polar, with histidine, which is basic and polar, at codon 278 of the HADHB protein (p.Asp278His). This variant is not present in population databases (gnomAD no frequency). This variant has not been reported in the literature in individuals affected with HADHB-related conditions. Algorithms developed to predict the effect of missense changes on protein structure and function (SIFT, PolyPhen-2, Align-GVGD) all suggest that this variant is likely to be disruptive. In summary, the available evidence is currently insufficient to determine the role of this variant in disease. Therefore, it has been classified as a Variant of Uncertain Significance.

NM_000183.3(HADHB):c.832G>C (p.Asp278His)

Gene: HADHB (hydroxyacyl-CoA dehydrogenase trifunctional multienzyme complex subunit beta; plus strand). Cytogenetic location: 2p23.3.
Variant type: single nucleotide variant.
Coding change: c.832G>C on transcript NM_000183.3 (MANE Select); coding-DNA position 832, G replaced by C.
Protein change: p.Asp278His; replaces aspartic acid 278 with histidine.
Molecular consequence: missense variant.
Genome position (GRCh38, 1-based): chr2:26,280,014, G>C. VCF-style: chr2-26280014-G-C. GRCh37 (hg19) VCF-style: chr2-26502882-G-C.
Other names: c.787G>C, p.Asp263His (NM_001281512.2); c.766G>C, p.Asp256His (NM_001281513.2); short protein forms D278H, D256H, D263H.
Identifiers: ClinVar variation 1491454 (VCV001491454.3), dbSNP rs982733832, ClinGen allele CA44337209.
Genomic context (GRCh38, chr2:26,280,014, plus strand): 5'-TGTGGTTCCATAGAGTTAAAAAAATTCATTTTTTTAATAGGAAAAGATACAGTTACCAAA[G>C]ATAATGGCATCCGTCCTTCCTCACTGGAGCAGATGGCCAAACTAAAACCTGCATTCATCA-3'
Protein context (NP_000174.1, residues 268-288): KVPGKDTVTK[Asp278His]NGIRPSSLEQ